The following is an entry in ClinVar:

NM_020812.4(DOCK6):c.3620C>T (p.Ala1207Val)

Genes: DOCK6 (dedicator of cytokinesis 6; minus strand), DOCK6-AS1 (DOCK6 antisense RNA 1; plus strand). Cytogenetic location: 19p13.2.
Variant type: single nucleotide variant.
Coding change: c.3620C>T on transcript NM_020812.4 (MANE Select); coding-DNA position 3620, C replaced by T.
Protein change: p.Ala1207Val; replaces alanine 1207 with valine.
Molecular consequence: missense variant.
Genome position (GRCh38, 1-based): chr19:11,217,322, G>A on the plus strand (C>T on the coding strand, the complement: DOCK6 is on the minus strand). VCF-style: chr19-11217322-G-A. GRCh37 (hg19) VCF-style: chr19-11327998-G-A.
Other names: c.3725C>T, p.Ala1242Val (NM_001367830.1); c.3620C>T (NM_020812.2); short protein forms A1207V, A1242V.
Identifiers: ClinVar variation 2882167 (VCV002882167.4), dbSNP rs371021276, ClinGen allele CA9207187.

ClinVar aggregate classification (germline): Uncertain significance. Review status: criteria provided, multiple submitters, no conflicts (2 of 4 stars). 2 submissions from 2 submitters: Uncertain significance (2). Last evaluated 2024-01-29.

Conditions:
Inborn genetic diseases. Identifiers: MedGen C0950123, MeSH D030342.

Allele frequency attached by ClinVar (database versions not stated): 1000 Genomes Project 30x 0.00016; 1000 Genomes Project 0.00020.
gnomAD v4.1: 17 of 1,613,196 alleles (0.0011%); highest among the groups gnomAD compares: Middle Eastern, 0.016%; no homozygotes.

Submissions (2):

Ambry Genetics
Classification: Uncertain significance for Inborn genetic diseases. Last evaluated: 2024-01-29. Review status: criteria provided, single submitter. Criteria: Ambry Variant Classification Scheme 2023. Collection method: clinical testing. Allele origin: germline.

Labcorp Genetics (formerly Invitae), Labcorp
Classification: Uncertain significance. Last evaluated: 2024-01-02. Review status: criteria provided, single submitter. Criteria: Invitae Variant Classification Sherloc (09022015). Collection method: clinical testing. Allele origin: germline.
Comment: This sequence change replaces alanine, which is neutral and non-polar, with valine, which is neutral and non-polar, at codon 1207 of the DOCK6 protein (p.Ala1207Val). This variant is present in population databases (rs371021276, gnomAD 0.007%). This variant has not been reported in the literature in individuals affected with DOCK6-related conditions. Advanced modeling of protein sequence and biophysical properties (such as structural, functional, and spatial information, amino acid conservation, physicochemical variation, residue mobility, and thermodynamic stability) performed at Invitae indicates that this missense variant is not expected to disrupt DOCK6 protein function with a negative predictive value of 80%. In summary, the available evidence is currently insufficient to determine the role of this variant in disease. Therefore, it has been classified as a Variant of Uncertain Significance.